The following is an entry in ClinVar:

NM_016151.4(TAOK2):c.3658G>A (p.Gly1220Arg)

Gene: TAOK2 (TAO kinase 2; plus strand). Cytogenetic location: 16p11.2.
Variant type: single nucleotide variant.
Coding change: c.3658G>A on transcript NM_016151.4 (MANE Select); coding-DNA position 3658, G replaced by A.
Protein change: p.Gly1220Arg; replaces glycine 1220 with arginine.
Molecular consequence: missense variant. On other transcripts: intron variant (1).
Genome position (GRCh38, 1-based): chr16:29,987,930, G>A. VCF-style: chr16-29987930-G-A. GRCh37 (hg19) VCF-style: chr16-29999251-G-A.
Other names: c.3319G>A, p.Gly1107Arg (NM_001252043.2); c.2232+1426G>A (NM_004783.4); c.3658G>A (NM_016151.2); short protein forms G1107R, G1220R.
Identifiers: ClinVar variation 2911661 (VCV002911661.4), dbSNP rs778089235, ClinGen allele CA7998621.

ClinVar aggregate classification (germline): Uncertain significance. Review status: criteria provided, multiple submitters, no conflicts (2 of 4 stars). 2 submissions from 2 submitters: Uncertain significance (2). Last evaluated 2025-02-08.

Allele frequency attached by ClinVar (database versions not stated): ExAC 0.00005; gnomAD 0.00006.
gnomAD v4.1: 22 of 1,547,006 alleles (0.0014%); highest among the groups gnomAD compares: South Asian, 0.011%; no homozygotes.

Submissions (2):

Ambry Genetics
Classification: Uncertain significance. Last evaluated: 2025-02-08. Review status: criteria provided, single submitter. Criteria: Ambry Variant Classification Scheme 2023. Collection method: clinical testing. Allele origin: germline.

Labcorp Genetics (formerly Invitae), Labcorp
Classification: Uncertain significance. Last evaluated: 2023-02-27. Review status: criteria provided, single submitter. Criteria: Invitae Variant Classification Sherloc (09022015). Collection method: clinical testing. Allele origin: germline.
Comment: This sequence change replaces glycine, which is neutral and non-polar, with arginine, which is basic and polar, at codon 1220 of the TAOK2 protein (p.Gly1220Arg). This variant is present in population databases (rs778089235, gnomAD 0.02%). This variant has not been reported in the literature in individuals affected with TAOK2-related conditions. An algorithm developed to predict the effect of missense changes on protein structure and function (PolyPhen-2) suggests that this variant is likely to be disruptive. In summary, the available evidence is currently insufficient to determine the role of this variant in disease. Therefore, it has been classified as a Variant of Uncertain Significance.